The following is an entry in ClinVar:

ClinVar aggregate classification (germline): Uncertain significance (1 of 4 stars; one submission).

Conditions:
Hao-Fountain syndrome due to USP7 mutation. Also called: USP7-Related Hao Fountain Syndrome. Identifiers: Orphanet 643538, MedGen C5816734, MONDO:0958071, OMIM 616863.

Submission:

Dasa
Classification: Uncertain significance for Hao-Fountain syndrome due to USP7 mutation. Last evaluated: 2025-12-13. Review status: criteria provided, single submitter. Criteria: DASA Assertion Criteria. Collection method: clinical testing. Allele origin: germline.
Comment: NM_003470.3(USP7):c.2650A>C (p.Lys884Gln) is a missense variant that results in the substitution of lysine with glutamine. This variant is rare in population databases. The currently available literature and clinical evidence are not sufficient to establish a definitive association between this variant and the reported condition. Therefore, this variant is classified as a variant of uncertain significance.

NM_003470.3(USP7):c.2650A>C (p.Lys884Gln)

Gene: USP7 (ubiquitin specific peptidase 7; minus strand). Cytogenetic location: 16p13.2.
Variant type: single nucleotide variant.
Coding change: c.2650A>C on transcript NM_003470.3 (MANE Select); coding-DNA position 2650, A replaced by C.
Protein change: p.Lys884Gln; replaces lysine 884 with glutamine.
Molecular consequence: missense variant. On other transcripts: non-coding transcript variant (1).
Genome position (GRCh38, 1-based): chr16:8,898,428, T>G on the plus strand (A>C on the coding strand, the complement: USP7 is on the minus strand). VCF-style: chr16-8898428-T-G. GRCh37 (hg19) VCF-style: chr16-8992285-T-G.
Other names: c.2602A>C, p.Lys868Gln (NM_001286457.2); c.2353A>C, p.Lys785Gln (NM_001286458.2); c.2476A>C, p.Lys826Gln (NM_001321858.2); short protein forms K785Q, K826Q, K868Q, K884Q.
Identifiers: ClinVar variation 4883246 (VCV004883246.2).